The following is an entry in ClinVar:

ClinVar aggregate classification (germline): Conflicting classifications of pathogenicity. Review status: criteria provided, conflicting classifications (1 of 4 stars). 3 submissions from 3 submitters: Uncertain significance (2); Likely benign (1). Last evaluated 2026-01-09.

Conditions:
DYNC1H1-related disorder. Also called: DYNC1H1-related condition; DYNC1H1-related disorders. Identifiers: MedGen CN381529.
Charcot-Marie-Tooth disease axonal type 2O. Also called: CHARCOT-MARIE-TOOTH NEUROPATHY, AXONAL, TYPE 2O; CHARCOT-MARIE-TOOTH DISEASE, AXONAL, AUTOSOMAL DOMINANT, TYPE 2O; Charcot-Marie-Tooth Neuropathy Type 2O; Charcot-Marie-Tooth disease, axonal, type 20. Identifiers: Orphanet 284232, MedGen C3280220, MONDO:0013644, OMIM 614228.

Allele frequency attached by ClinVar (database versions not stated): gnomAD exomes below 0.00001; TOPMed 0.00001; gnomAD 0.00003.
gnomAD v4.1: 5 of 1,614,038 alleles (0.00031%); highest among the groups gnomAD compares: Admixed American, 0.0083%; no homozygotes.

Submissions (3):

Labcorp Genetics (formerly Invitae), Labcorp
Classification: Likely benign for Charcot-Marie-Tooth disease axonal type 2O. Last evaluated: 2026-01-09. Review status: criteria provided, single submitter. Criteria: Invitae Variant Classification Sherloc (09022015). Collection method: clinical testing. Allele origin: germline.

GeneDx
Classification: Uncertain significance. Last evaluated: 2024-08-08. Review status: criteria provided, single submitter. Criteria: GeneDx Variant Classification Process June 2021. Collection method: clinical testing. Allele origin: germline. Affected: yes.
Comment: In silico analysis indicates that this missense variant does not alter protein structure/function; Has not been previously published as pathogenic or benign to our knowledge; This variant is associated with the following publications: (PMID: 25512093, 25609763, 26100331)

PreventionGenetics, part of Exact Sciences
Classification: Uncertain significance for DYNC1H1-related condition. Last evaluated: 2023-09-13. Review status: criteria provided, single submitter. Criteria: ACMG Guidelines, 2015. Collection method: clinical testing. Allele origin: germline.
Comment: The DYNC1H1 c.11755G>C variant is predicted to result in the amino acid substitution p.Gly3919Arg. To our knowledge, this variant has not been reported in the literature. This variant is reported in 0.0029% of alleles in individuals of Latino descent in gnomAD. At this time, the clinical significance of this variant is uncertain due to the absence of conclusive functional and genetic evidence.

NM_001376.5(DYNC1H1):c.11755G>C (p.Gly3919Arg)

Gene: DYNC1H1 (dynein cytoplasmic 1 heavy chain 1; plus strand). Cytogenetic location: 14q32.31.
Variant type: single nucleotide variant.
Coding change: c.11755G>C on transcript NM_001376.5 (MANE Select); coding-DNA position 11755, G replaced by C.
Protein change: p.Gly3919Arg; replaces glycine 3919 with arginine.
Molecular consequence: missense variant.
Genome position (GRCh38, 1-based): chr14:102,040,300, G>C. VCF-style: chr14-102040300-G-C. GRCh37 (hg19) VCF-style: chr14-102506637-G-C.
Other names: short protein forms G3919R.
Identifiers: ClinVar variation 2631441 (VCV002631441.4), dbSNP rs1332271433, ClinGen allele CA391036620.